The following is an entry in ClinVar:

NM_025144.4(ALPK1):c.2770T>C (p.Ser924Pro)

Gene: ALPK1 (alpha kinase 1; plus strand). Cytogenetic location: 4q25.
Variant type: single nucleotide variant.
Coding change: c.2770T>C on transcript NM_025144.4 (MANE Select); coding-DNA position 2770, T replaced by C.
Protein change: p.Ser924Pro; replaces serine 924 with proline.
Molecular consequence: missense variant.
Genome position (GRCh38, 1-based): chr4:112,432,317, T>C. VCF-style: chr4-112432317-T-C. GRCh37 (hg19) VCF-style: chr4-113353473-T-C.
Other names: c.2770T>C, p.Ser924Pro (NM_001102406.2); c.2536T>C, p.Ser846Pro (NM_001253884.2); short protein forms S924P, S846P.
Identifiers: ClinVar variation 2907357 (VCV002907357.3), dbSNP rs751956374, ClinGen allele CA3046986.

ClinVar aggregate classification (germline): Uncertain significance (1 of 4 stars; one submission).

Allele frequency attached by ClinVar (database versions not stated): TOPMed below 0.00001; ExAC 0.00001; gnomAD exomes 0.00002.
gnomAD v4.1: 11 of 1,614,198 alleles (0.00068%); highest among the groups gnomAD compares: South Asian, 0.0022%; no homozygotes.

Submission:

Labcorp Genetics (formerly Invitae), Labcorp
Classification: Uncertain significance. Last evaluated: 2024-01-21. Review status: criteria provided, single submitter. Criteria: Invitae Variant Classification Sherloc (09022015). Collection method: clinical testing. Allele origin: germline.
Comment: This sequence change replaces serine, which is neutral and polar, with proline, which is neutral and non-polar, at codon 924 of the ALPK1 protein (p.Ser924Pro). This variant is present in population databases (rs751956374, gnomAD 0.002%). This missense change has been observed in individual(s) with PFAPA syndrome (PMID: 31053777). Advanced modeling of protein sequence and biophysical properties (such as structural, functional, and spatial information, amino acid conservation, physicochemical variation, residue mobility, and thermodynamic stability) performed at Invitae indicates that this missense variant is not expected to disrupt ALPK1 protein function with a negative predictive value of 80%. In summary, the available evidence is currently insufficient to determine the role of this variant in disease. Therefore, it has been classified as a Variant of Uncertain Significance.

Literature cited by the submitters: PubMed 31053777.